The following is an entry in ClinVar:

NM_017871.6(INTS11):c.636C>G (p.Asp212Glu)

Gene: INTS11 (integrator complex subunit 11; minus strand). Cytogenetic location: 1p36.33.
Variant type: single nucleotide variant.
Coding change: c.636C>G on transcript NM_017871.6 (MANE Select); coding-DNA position 636, C replaced by G.
Protein change: p.Asp212Glu; replaces aspartic acid 212 with glutamic acid.
Molecular consequence: missense variant.
Genome position (GRCh38, 1-based): chr1:1,314,890, G>C on the plus strand (C>G on the coding strand, the complement: INTS11 is on the minus strand). VCF-style: chr1-1314890-G-C. GRCh37 (hg19) VCF-style: chr1-1250270-G-C.
Other names: c.654C>G, p.Asp218Glu (NM_001256456.2); c.549C>G, p.Asp183Glu (NM_001256460.2); c.342C>G, p.Asp114Glu (NM_001256462.2); c.333C>G, p.Asp111Glu (NM_001256463.2); short protein forms D111E, D114E, D183E, D212E, D218E.
Identifiers: ClinVar variation 2507229 (VCV002507229.1), dbSNP rs34313161, ClinGen allele CA337799413.

ClinVar aggregate classification (germline): Uncertain significance (1 of 4 stars; one submission).

Submission:

GeneDx
Classification: Uncertain significance. Last evaluated: 2022-04-18. Review status: criteria provided, single submitter. Criteria: GeneDx Variant Classification Process June 2021. Collection method: clinical testing. Allele origin: germline. Affected: yes.
Comment: Not observed at significant frequency in large population cohorts (gnomAD); In silico analysis supports that this missense variant has a deleterious effect on protein structure/function; Has not been previously published as pathogenic or benign to our knowledge; Variants in candidate genes are classified as variants of uncertain significance in accordance with ACMG guidelines (Richards et al., 2015)